The following is an entry in ClinVar:

NM_001346413.3(PCF11):c.2855T>C (p.Phe952Ser)

Gene: PCF11 (PCF11 cleavage and polyadenylation factor subunit; plus strand). Cytogenetic location: 11q14.1.
Variant type: single nucleotide variant.
Coding change: c.2855T>C on transcript NM_001346413.3 (MANE Select); coding-DNA position 2855, T replaced by C.
Protein change: p.Phe952Ser; replaces phenylalanine 952 with serine.
Molecular consequence: missense variant.
Genome position (GRCh38, 1-based): chr11:83,168,797, T>C. VCF-style: chr11-83168797-T-C. GRCh37 (hg19) VCF-style: chr11-82879839-T-C.
Other names: c.2855T>C, p.Phe952Ser (NM_001346414.2); c.2462T>C, p.Phe821Ser (NM_001346415.2, NM_015885.4); short protein forms F821S, F952S.
Identifiers: ClinVar variation 5026356 (VCV005026356.1).

ClinVar aggregate classification (germline): Uncertain significance (1 of 4 stars; one submission).

gnomAD v4.1: 49 of 1,613,154 alleles (0.003%); highest among the groups gnomAD compares: Middle Eastern, 0.016%; no homozygotes.

Submission:

Ambry Genetics
Classification: Uncertain significance. Last evaluated: 2026-08-23. Review status: criteria provided, single submitter. Criteria: Ambry Variant Classification Scheme 2023. Collection method: clinical testing. Allele origin: germline.
Comment: The c.2462T>C (p.F821S) alteration is located in exon 8 (coding exon 8) of the PCF11 gene. This alteration results from a T to C substitution at nucleotide position 2462, causing the phenylalanine (F) at amino acid position 821 to be replaced by a serine (S). Based on data from gnomAD, the C allele has an overall frequency of 0.002% (5/280226) total alleles studied. The highest observed frequency was 0.004% (1/24998) of European (Finnish) alleles. Based on insufficient or conflicting evidence, the clinical significance of this alteration remains unclear.